The following is an entry in ClinVar:

ClinVar aggregate classification (germline): Uncertain significance (1 of 4 stars; one submission).

Submission:

Labcorp Genetics (formerly Invitae), Labcorp
Classification: Uncertain significance. Last evaluated: 2023-04-30. Review status: criteria provided, single submitter. Criteria: Invitae Variant Classification Sherloc (09022015). Collection method: clinical testing. Allele origin: germline.
Comment: In summary, the available evidence is currently insufficient to determine the role of this variant in disease. Therefore, it has been classified as a Variant of Uncertain Significance. Advanced modeling of protein sequence and biophysical properties (such as structural, functional, and spatial information, amino acid conservation, physicochemical variation, residue mobility, and thermodynamic stability) performed at Invitae indicates that this missense variant is not expected to disrupt CTNNA1 protein function. This variant has not been reported in the literature in individuals affected with CTNNA1-related conditions. This variant is not present in population databases (gnomAD no frequency). This sequence change replaces alanine, which is neutral and non-polar, with serine, which is neutral and polar, at codon 208 of the CTNNA1 protein (p.Ala208Ser).

NM_001903.5(CTNNA1):c.622G>T (p.Ala208Ser)

Gene: CTNNA1 (catenin alpha 1; plus strand). Cytogenetic location: 5q31.2.
Variant type: single nucleotide variant.
Coding change: c.622G>T on transcript NM_001903.5 (MANE Select); coding-DNA position 622, G replaced by T.
Protein change: p.Ala208Ser; replaces alanine 208 with serine.
Molecular consequence: missense variant.
Genome position (GRCh38, 1-based): chr5:138,824,563, G>T. VCF-style: chr5-138824563-G-T. GRCh37 (hg19) VCF-style: chr5-138160252-G-T.
Other names: c.622G>T, p.Ala208Ser (NM_001290307.3, NM_001323982.2, NM_001323983.1 and 3 more transcripts); c.313G>T, p.Ala105Ser (NM_001290309.3); c.253G>T, p.Ala85Ser (NM_001290310.3); short protein forms A105S, A85S, A208S.
Identifiers: ClinVar variation 2860692 (VCV002860692.3), dbSNP rs2532423429, ClinGen allele CA361129489.
Genomic context (GRCh38, chr5:138,824,563, plus strand): 5'-AATTTCTTGTTTTATTTACTCTTGTAGGAATTGAAAGATGTTGGCCATCGTGATCAGATG[G>T]CTGCAGCTAGAGGAATCCTGCAGAAGAACGTTCCGATCCTCTATACTGCATCCCAGGCAT-3'
Protein context (NP_001894.2, residues 198-218): LKDVGHRDQM[Ala208Ser]AARGILQKNV